The following is an entry in ClinVar:

NM_000512.5(GALNS):c.899-4C>G

Gene: GALNS (galactosamine (N-acetyl)-6-sulfatase; minus strand). Cytogenetic location: 16q24.3.
Variant type: single nucleotide variant.
Coding change: c.899-4C>G on transcript NM_000512.5 (MANE Select); 4 bases into the intron before coding-DNA position 899, C replaced by G.
Molecular consequence: intron variant.
Genome position (GRCh38, 1-based): chr16:88,832,105, G>C on the plus strand (C>G on the coding strand, the complement: GALNS is on the minus strand). VCF-style: chr16-88832105-G-C. GRCh37 (hg19) VCF-style: chr16-88898513-G-C.
Other names: c.344-4C>G (NM_001323543.2); c.917-4C>G (NM_001323544.2).
Identifiers: ClinVar variation 558877 (VCV000558877.22), dbSNP rs143793386, ClinGen allele CA8234912.

ClinVar aggregate classification (germline): Benign. Review status: criteria provided, multiple submitters, no conflicts (2 of 4 stars). 5 submissions from 5 submitters: Benign (4). 1 of the submissions does not count toward it. Last evaluated 2026-02-04.

Conditions:
Mucopolysaccharidosis, MPS-IV-A (MPS4A). Also called: Mucopolysaccharidosis Type IVA; GALACTOSAMINE-6-SULFATASE DEFICIENCY; GALNS DEFICIENCY; MORQUIO A DISEASE; MPS IVA; Morquio syndrome A, mild. Identifiers: Orphanet 309297, Orphanet 582, MedGen C0086651, MONDO:0009659, OMIM 253000.

Allele frequency attached by ClinVar (database versions not stated): ExAC 0.00253; gnomAD 0.00733 and 0.00779; ESP Exome Variant Server 0.00777; TOPMed 0.00801; 1000 Genomes Project 0.00978; 1000 Genomes Project 30x 0.01093.
gnomAD v4.1: 2,353 of 1,612,902 alleles (0.15%); highest among the groups gnomAD compares: African/African-American, 2.5%; 31 homozygotes.

Submissions (5):

Labcorp Genetics (formerly Invitae), Labcorp
Classification: Benign for Mucopolysaccharidosis, MPS-IV-A. Last evaluated: 2026-02-04. Review status: criteria provided, single submitter. Criteria: Invitae Variant Classification Sherloc (09022015). Collection method: clinical testing. Allele origin: germline.

Genome-Nilou Lab
Classification: Benign for Mucopolysaccharidosis, MPS-IV-A. Last evaluated: 2021-11-07. Review status: criteria provided, single submitter. Criteria: ACMG Guidelines, 2015. Collection method: clinical testing. Allele origin: germline. Affected: no.

Illumina Laboratory Services, Illumina
Classification: Benign for Mucopolysaccharidosis, MPS-IV-A. Last evaluated: 2018-01-13. Review status: criteria provided, single submitter. Criteria: ICSL Variant Classification Criteria 13 December 2019. Collection method: clinical testing. Allele origin: germline.
Comment: This variant was observed in the ICSL laboratory as part of a predisposition screen in an ostensibly healthy population. It had not been previously curated by ICSL or reported in the Human Gene Mutation Database (HGMD: prior to June 1st, 2018), and was therefore a candidate for classification through an automated scoring system. Utilizing variant allele frequency, disease prevalence and penetrance estimates, and inheritance mode, an automated score was calculated to assess if this variant is too frequent to cause the disease. Based on the score and internal cut-off values, a variant classified as benign is not then subjected to further curation. The score for this variant resulted in a classification of benign for this disease.

Breakthrough Genomics
Classification: Benign. Review status: criteria provided, single submitter. Criteria: ACMG Guidelines, 2015. Collection method: not provided. Allele origin: germline. Inheritance: Autosomal recessive inheritance. Affected: yes.

Mayo Clinic Laboratories, Mayo Clinic
Classification: Likely benign. Last evaluated: 2017-10-26. Review status: no assertion criteria provided. Collection method: clinical testing. Allele origin: unknown. Not counted in ClinVar's aggregate classification.